The following is an entry in ClinVar:

ClinVar aggregate classification (germline): Likely benign. Review status: criteria provided, multiple submitters, no conflicts (2 of 4 stars). 2 submissions from 2 submitters: Likely benign (2). Last evaluated 2026-03-26.

Conditions:
MAPKBP1-related disorder. Also called: MAPKBP1-related condition.

Allele frequency attached by ClinVar (database versions not stated): gnomAD exomes below 0.00001; ExAC 0.00001; gnomAD 0.00001; TOPMed 0.00001; 1000 Genomes Project 0.00020; 1000 Genomes Project 30x 0.00031.
gnomAD v4.1: 5 of 1,614,002 alleles (0.00031%); highest among the groups gnomAD compares: Admixed American, 0.005%; no homozygotes.

Submissions (2):

PreventionGenetics, part of Exact Sciences
Classification: Likely benign for MAPKBP1-related condition. Last evaluated: 2026-03-26. Review status: criteria provided, single submitter. Criteria: ACMG Guidelines, 2015. Collection method: clinical testing. Allele origin: germline.
Comment: This variant is classified as likely benign based on ACMG/AMP sequence variant interpretation guidelines (Richards et al. 2015 PMID: 25741868, with internal and published modifications).

Labcorp Genetics (formerly Invitae), Labcorp
Classification: Likely benign. Last evaluated: 2023-10-09. Review status: criteria provided, single submitter. Criteria: Invitae Variant Classification Sherloc (09022015). Collection method: clinical testing. Allele origin: germline.

NM_014994.3(MAPKBP1):c.714C>T (p.Ala238=)

Gene: MAPKBP1 (mitogen-activated protein kinase binding protein 1; plus strand). Cytogenetic location: 15q15.1.
Variant type: single nucleotide variant.
Coding change: c.714C>T on transcript NM_014994.3 (MANE Select); coding-DNA position 714, C replaced by T.
Protein change: p.Ala238=; no amino-acid change (alanine 238 retained).
Molecular consequence: synonymous variant. On other transcripts: non-coding transcript variant (2).
Genome position (GRCh38, 1-based): chr15:41,812,996, C>T. VCF-style: chr15-41812996-C-T. GRCh37 (hg19) VCF-style: chr15-42105194-C-T.
Other names: c.714C>T, p.Ala238= (NM_001128608.2, NM_001265611.2); c.714C>T (NM_001128608.1).
Identifiers: ClinVar variation 2909876 (VCV002909876.4), dbSNP rs535354399, ClinGen allele CA7497632.